The following is an entry in ClinVar:

NM_000179.3(MSH6):c.3629T>A (p.Val1210Glu)

Gene: MSH6 (mutS homolog 6; plus strand). Cytogenetic location: 2p16.3.
Variant type: single nucleotide variant.
Coding change: c.3629T>A on transcript NM_000179.3 (MANE Select); coding-DNA position 3629, T replaced by A.
Protein change: p.Val1210Glu; replaces valine 1210 with glutamic acid.
Molecular consequence: missense variant. On other transcripts: non-coding transcript variant (5).
Genome position (GRCh38, 1-based): chr2:47,805,690, T>A. VCF-style: chr2-47805690-T-A. GRCh37 (hg19) VCF-style: chr2-48032829-T-A.
Other names: c.2723T>A, p.Val908Glu (NM_001406829.1, NM_001281493.2, NM_001281494.2 and 6 more transcripts); c.3332T>A, p.Val1111Glu (NM_001406830.1, NM_001406827.1, NM_001406828.1 and 10 more transcripts); c.410T>A, p.Val137Glu (NM_001406831.1); c.476T>A, p.Val159Glu (NM_001406832.1); c.1574T>A, p.Val525Glu (NM_001407362.1); c.3461T>A, p.Val1154Glu (NM_001406826.1); c.3239T>A, p.Val1080Glu (NM_001281492.2); c.3725T>A, p.Val1242Glu (NM_001406795.1, NM_001406802.1); and 7 more; short protein forms V1080E, V1111E, V1154E, V137E, V688E, V1242E, V159E, V525E.
Identifiers: ClinVar variation 4111185 (VCV004111185.1).

ClinVar aggregate classification (germline): Uncertain significance (1 of 4 stars; one submission).

Conditions:
Hereditary cancer-predisposing syndrome. Also called: Tumor predisposition; Neoplastic Syndromes, Hereditary; Hereditary neoplastic syndrome; Hereditary Cancer Syndrome. Identifiers: Orphanet 140162, MedGen C0027672, MeSH D009386, MONDO:0015356.

Submission:

Ambry Genetics
Classification: Uncertain significance for Hereditary cancer-predisposing syndrome. Last evaluated: 2025-08-20. Review status: criteria provided, single submitter. Criteria: Ambry Variant Classification Scheme 2023. Collection method: clinical testing. Allele origin: germline.
Comment: The p.V1210E variant (also known as c.3629T>A), located in coding exon 7 of the MSH6 gene, results from a T to A substitution at nucleotide position 3629. The valine at codon 1210 is replaced by glutamic acid, an amino acid with dissimilar properties. This amino acid position is conserved. In addition, this alteration is predicted to be deleterious by in silico analysis. Based on the available evidence, the clinical significance of this variant remains unclear.